The following is an entry in ClinVar:

ClinVar aggregate classification (germline): Uncertain significance (1 of 4 stars; one submission).

Conditions:
Hereditary cancer-predisposing syndrome. Also called: Neoplastic Syndromes, Hereditary; Tumor predisposition; Hereditary neoplastic syndrome; Hereditary Cancer Syndrome. Identifiers: Orphanet 140162, MedGen C0027672, MeSH D009386, MONDO:0015356.

Submission:

Ambry Genetics
Classification: Uncertain significance for Hereditary cancer-predisposing syndrome. Last evaluated: 2026-07-06. Review status: criteria provided, single submitter. Criteria: Ambry Variant Classification Scheme 2023. Collection method: clinical testing. Allele origin: germline.
Comment: The p.E335Q variant (also known as c.1003G>C), located in coding exon 5 of the FLCN gene, results from a G to C substitution at nucleotide position 1003. The glutamic acid at codon 335 is replaced by glutamine, an amino acid with highly similar properties. This amino acid position is conserved. In addition, this alteration is predicted to be tolerated by in silico analysis. Based on the available evidence, the clinical significance of this variant remains unclear.

NM_144997.7(FLCN):c.871+132G>C

Gene: FLCN (folliculin; minus strand). Cytogenetic location: 17p11.2.
Variant type: single nucleotide variant.
Coding change: c.871+132G>C on transcript NM_144997.7 (MANE Select); 132 bases into the intron after coding-DNA position 871, G replaced by C.
Molecular consequence: intron variant. On other transcripts: missense variant (1).
Genome position (GRCh38, 1-based): chr17:17,221,405, C>G on the plus strand (G>C on the coding strand, the complement: FLCN is on the minus strand). VCF-style: chr17-17221405-C-G. GRCh37 (hg19) VCF-style: chr17-17124719-C-G.
Other names: c.1003G>C, p.Glu335Gln (NM_144606.7); c.871+132G>C (NM_001353231.2, NM_001353230.2); c.925+132G>C (NM_001353229.2); short protein forms E335Q.
Identifiers: ClinVar variation 5021850 (VCV005021850.1).